The following is an entry in ClinVar:

NM_018847.4(KLHL9):c.124C>G (p.Gln42Glu)

Gene: KLHL9 (kelch like family member 9; minus strand). Cytogenetic location: 9p21.3.
Variant type: single nucleotide variant.
Coding change: c.124C>G on transcript NM_018847.4 (MANE Select); coding-DNA position 124, C replaced by G.
Protein change: p.Gln42Glu; replaces glutamine 42 with glutamic acid.
Molecular consequence: missense variant.
Genome position (GRCh38, 1-based): chr9:21,334,736, G>C on the plus strand (C>G on the coding strand, the complement: KLHL9 is on the minus strand). VCF-style: chr9-21334736-G-C. GRCh37 (hg19) VCF-style: chr9-21334735-G-C.
Other names: c.124C>G (NM_018847.3); short protein forms Q42E.
Identifiers: ClinVar variation 1595158 (VCV001595158.11), dbSNP rs142876366, ClinGen allele CA5010697.

ClinVar aggregate classification (germline): Likely benign. Review status: criteria provided, multiple submitters, no conflicts (2 of 4 stars). 3 submissions from 3 submitters: Likely benign (2). 1 of the submissions does not count toward it. Last evaluated 2025-12-26.

Conditions:
KLHL9-related disorder. Also called: KLHL9-related condition.

Allele frequency attached by ClinVar (database versions not stated): ExAC 0.00028; gnomAD exomes 0.00030; ESP Exome Variant Server 0.00085; 1000 Genomes Project 0.00100; gnomAD 0.00110 and 0.00117; 1000 Genomes Project 30x 0.00125; TOPMed 0.00132.

Submissions (3):

Labcorp Genetics (formerly Invitae), Labcorp
Classification: Likely benign. Last evaluated: 2025-12-26. Review status: criteria provided, single submitter. Criteria: Invitae Variant Classification Sherloc (09022015). Collection method: clinical testing. Allele origin: germline.

Breakthrough Genomics
Classification: Likely benign. Review status: criteria provided, single submitter. Criteria: ACMG Guidelines, 2015. Collection method: not provided. Allele origin: germline. Inheritance: Unknown mechanism. Affected: yes.

PreventionGenetics, part of Exact Sciences
Classification: Likely benign for KLHL9-related condition. Last evaluated: 2022-08-29. Review status: no assertion criteria provided. Collection method: clinical testing. Allele origin: germline. Not counted in ClinVar's aggregate classification.
Comment: This variant is classified as likely benign based on ACMG/AMP sequence variant interpretation guidelines (Richards et al. 2015 PMID: 25741868, with internal and published modifications).